The following is an entry in ClinVar:

NM_007294.4(BRCA1):c.5193+9T>G

Gene: BRCA1 (BRCA1 DNA repair associated; minus strand). Cytogenetic location: 17q21.31.
Variant type: single nucleotide variant.
Coding change: c.5193+9T>G on transcript NM_007294.4 (MANE Select); 9 bases into the intron after coding-DNA position 5193, T replaced by G.
Molecular consequence: intron variant.
Genome position (GRCh38, 1-based): chr17:43,063,324, A>C on the plus strand (T>G on the coding strand, the complement: BRCA1 is on the minus strand). VCF-style: chr17-43063324-A-C. GRCh37 (hg19) VCF-style: chr17-41215341-A-C.
Other names: c.5193+9T>G (NM_001407598.1, NM_001407596.1, NM_001407602.1 and 7 more transcripts); c.1668+9T>G (NM_001408492.1, NM_001408493.1); c.1737+9T>G (NM_001408468.1, NM_001408470.1, NM_001408469.1); c.5046+9T>G (NM_001407842.1, NM_001407846.1, NM_001407850.1 and 12 more transcripts); c.5049+9T>G (NM_001407749.1, NM_001407943.1, NM_001407748.1 and 21 more transcripts); c.1620+9T>G (NM_001408501.1, NM_001408500.1, NM_001408497.1 and 3 more transcripts); c.1743+9T>G (NM_001408455.1, NM_001408452.1, NM_001408457.1 and 3 more transcripts); c.5052+9T>G (NM_001407731.1, NM_001407695.1, NM_001407726.1 and 13 more transcripts); and 72 more.
Identifiers: ClinVar variation 867471 (VCV000867471.3), dbSNP rs2051852129, ClinGen allele CA916080024.

Conditions:
Breast-ovarian cancer, familial, susceptibility to, 1 (BROVCA1). Also called: BRCA1 Hereditary Breast and Ovarian Cancer; OVARIAN CANCER, SUSCEPTIBILITY TO. Identifiers: Orphanet 145, MedGen C2676676, MONDO:0011450, OMIM 604370. Disease mechanism: loss of function.

Submission:

Brotman Baty Institute, University of Washington
No classification provided (evidence only). Condition: Breast-ovarian cancer, familial 1. Review status: no classification provided. Collection method: in vitro. Allele origin: not applicable. Functional consequence: functionally_normal.
ClinVar note: "not provided" was previously submitted as the classification for the variant. However, the classification appeared to be based only on an observation of functional data so it was converted to no classification on 2025-07-30.